The following is an entry in ClinVar:

ClinVar aggregate classification (germline): Uncertain significance (1 of 4 stars; one submission).

Conditions:
Inborn genetic diseases. Identifiers: MedGen C0950123, MeSH D030342.

Submission:

Ambry Genetics
Classification: Uncertain significance for Inborn genetic diseases. Last evaluated: 2025-04-29. Review status: criteria provided, single submitter. Criteria: Ambry Variant Classification Scheme 2023. Collection method: clinical testing. Allele origin: germline.
Comment: The p.G390E variant (also known as c.1169G>A), located in coding exon 10 of the FANCG gene, results from a G to A substitution at nucleotide position 1169. The glycine at codon 390 is replaced by glutamic acid, an amino acid with similar properties. This amino acid position is conserved. In addition, this alteration is predicted to be tolerated by in silico analysis. Based on the available evidence, the clinical significance of this variant remains unclear.

NM_004629.2(FANCG):c.1169G>A (p.Gly390Glu)

Gene: FANCG (FA complementation group G; minus strand). Cytogenetic location: 9p13.3.
Variant type: single nucleotide variant.
Coding change: c.1169G>A on transcript NM_004629.2 (MANE Select); coding-DNA position 1169, G replaced by A.
Protein change: p.Gly390Glu; replaces glycine 390 with glutamic acid.
Molecular consequence: missense variant.
Genome position (GRCh38, 1-based): chr9:35,075,729, C>T on the plus strand (G>A on the coding strand, the complement: FANCG is on the minus strand). VCF-style: chr9-35075729-C-T. GRCh37 (hg19) VCF-style: chr9-35075726-C-T.
Other names: short protein forms G390E.
Identifiers: ClinVar variation 4022501 (VCV004022501.1).